The following is an entry in ClinVar:

ClinVar aggregate classification (germline): Uncertain significance (1 of 4 stars; one submission).

Conditions:
Werner syndrome (WRN). Identifiers: Orphanet 902, MedGen C0043119, MONDO:0010196, OMIM 277700.

Submission:

Labcorp Genetics (formerly Invitae), Labcorp
Classification: Uncertain significance for Werner syndrome. Last evaluated: 2020-11-20. Review status: criteria provided, single submitter. Criteria: Invitae Variant Classification Sherloc (09022015). Collection method: clinical testing. Allele origin: germline.
Comment: This variant has not been reported in the literature in individuals with WRN-related conditions. In summary, the available evidence is currently insufficient to determine the role of this variant in disease. Therefore, it has been classified as a Variant of Uncertain Significance. Algorithms developed to predict the effect of missense changes on protein structure and function are either unavailable or do not agree on the potential impact of this missense change (SIFT: "Not Available"; PolyPhen-2: "Probably Damaging"; Align-GVGD: "Not Available"). This variant is not present in population databases (ExAC no frequency). This sequence change replaces glutamic acid with aspartic acid at codon 474 of the WRN protein (p.Glu474Asp). The glutamic acid residue is highly conserved and there is a small physicochemical difference between glutamic acid and aspartic acid.

NM_000553.6(WRN):c.1422G>T (p.Glu474Asp)

Gene: WRN (WRN RecQ like helicase; plus strand). Cytogenetic location: 8p12.
Variant type: single nucleotide variant.
Coding change: c.1422G>T on transcript NM_000553.6 (MANE Select); coding-DNA position 1422, G replaced by T.
Protein change: p.Glu474Asp; replaces glutamic acid 474 with aspartic acid.
Molecular consequence: missense variant.
Genome position (GRCh38, 1-based): chr8:31,085,237, G>T. VCF-style: chr8-31085237-G-T. GRCh37 (hg19) VCF-style: chr8-30942753-G-T.
Other names: short protein forms E474D.
Identifiers: ClinVar variation 1349587 (VCV001349587.6), dbSNP rs2130140730, ClinGen allele CA370923909.